The following is an entry in ClinVar:

NM_023110.3(FGFR1):c.1663+5G>T

Gene: FGFR1 (fibroblast growth factor receptor 1; minus strand). Cytogenetic location: 8p11.23.
Variant type: single nucleotide variant.
Coding change: c.1663+5G>T on transcript NM_023110.3 (MANE Select); 5 bases into the intron after coding-DNA position 1663, G replaced by T.
Molecular consequence: intron variant.
Genome position (GRCh38, 1-based): chr8:38,417,301, C>A on the plus strand (G>T on the coding strand, the complement: FGFR1 is on the minus strand). VCF-style: chr8-38417301-C-A. GRCh37 (hg19) VCF-style: chr8-38274819-C-A.
Other names: c.1384+5G>T (NM_001354368.2); c.1390+5G>T (NM_001354370.2, NM_023106.3); c.1396+5G>T (NM_023105.3, NM_001174066.2); c.1657+5G>T (NM_001354367.2, NM_015850.4, NM_001174063.2 and 1 more transcripts); c.1633+5G>T (NM_001174064.2); c.1651+5G>T (NM_001354369.2, NM_001410922.1); c.1756+5G>T (NM_001174067.2).
Identifiers: ClinVar variation 3767968 (VCV003767968.1).

ClinVar aggregate classification (germline): Uncertain significance (1 of 4 stars; one submission).

Conditions:
Hypogonadotropic hypogonadism 2 with or without anosmia (HH2). Also called: FGFR1-Related GnRH Deficiency (Kallmann Syndrome 2); HYPOGONADOTROPIC HYPOGONADISM 2 WITH OR WITHOUT ANOSMIA, SUSCEPTIBILITY TO; HYPOGONADOTROPIC HYPOGONADISM 2 WITHOUT ANOSMIA, SUSCEPTIBILITY TO; HYPOGONADOTROPIC HYPOGONADISM 2 WITHOUT ANOSMIA. Identifiers: Orphanet 478, MedGen C1563720, MONDO:0007844, OMIM 147950. Disease mechanism: loss of function.

Submission:

Diagnostics Services (NGS), CSIR - Centre For Cellular And Molecular Biology
Classification: Uncertain significance for Hypogonadotropic hypogonadism 2 with or without anosmia. Last evaluated: 2025-02-05. Review status: criteria provided, single submitter. Criteria: ACMG Guidelines, 2015. Collection method: clinical testing. Allele origin: unknown. Affected: yes. Observed: 1 variant allele, 1 heterozygote.
Comment: The c.1663+5G>T variant is not present in publicly available population databases like 1000 Genomes, EVS, gnomAD, Indian Exome Database or our internal database. This variant has neither been published in literature in individuals with FGFR1-related conditions nor reported to the clinical databases like Human Genome Mutation Database (HGMD), ClinVar or OMIM, in any affected individuals. Algorithms developed to predict the effect of sequence changes on RNA splicing suggest that this variant may affect splicing. In-silico pathogenicity prediction programs like HSF3.1, MutationTaster2021, etc predicted this variant to be likely deleterious, however these predictions were not confirmed by published functional/translational studies.